The following is an entry in ClinVar:

ClinVar aggregate classification (germline): Likely benign. Review status: no assertion criteria provided (0 of 4 stars). 2 submissions from 2 submitters: Likely benign (2). Last evaluated 2019-11-25.

Conditions:
TUFM-related disorder. Also called: TUFM-related condition.

Allele frequency attached by ClinVar (database versions not stated): gnomAD exomes below 0.00001 and 0.00001; ExAC 0.00001; TOPMed 0.00005.
gnomAD v4.1: 9 of 1,614,022 alleles (0.00056%); highest among the groups gnomAD compares: Middle Eastern, 0.033%; no homozygotes.

Submissions (2):

PreventionGenetics, part of Exact Sciences
Classification: Likely benign for TUFM-related condition. Last evaluated: 2019-11-25. Review status: no assertion criteria provided. Collection method: clinical testing. Allele origin: germline.
Comment: This variant is classified as likely benign based on ACMG/AMP sequence variant interpretation guidelines (Richards et al. 2015 PMID: 25741868, with internal and published modifications).

Mayo Clinic Laboratories, Mayo Clinic
Classification: Likely benign. Last evaluated: 2018-01-11. Review status: no assertion criteria provided. Collection method: clinical testing. Allele origin: unknown.

NM_003321.5(TUFM):c.923-7G>A

Gene: TUFM (Tu translation elongation factor, mitochondrial; minus strand). Cytogenetic location: 16p11.2.
Variant type: single nucleotide variant.
Coding change: c.923-7G>A on transcript NM_003321.5 (MANE Select); 7 bases into the intron before coding-DNA position 923, G replaced by A.
Molecular consequence: intron variant.
Genome position (GRCh38, 1-based): chr16:28,844,108, C>T on the plus strand (G>A on the coding strand, the complement: TUFM is on the minus strand). VCF-style: chr16-28844108-C-T. GRCh37 (hg19) VCF-style: chr16-28855429-C-T.
Other names: c.839-7G>A (NM_001365360.2).
Identifiers: ClinVar variation 559380 (VCV000559380.7), dbSNP rs200807950, ClinGen allele CA7985463.